The following is an entry in ClinVar:

ClinVar aggregate classification (germline): Benign/Likely benign. Review status: criteria provided, multiple submitters, no conflicts (2 of 4 stars). 7 submissions from 7 submitters: Benign (3); Likely benign (2). 2 of the submissions do not count toward it. Last evaluated 2026-02-01.

Conditions:
Posterior column ataxia-retinitis pigmentosa syndrome (RETSNS). Also called: RETINOPATHY-SENSORY NEUROPATHY SYNDROME. Identifiers: Orphanet 88628, MedGen C1836916, MONDO:0012177, OMIM 609033.
FLVCR2-related disorder. Also called: FLVCR2-related condition.

Allele frequency attached by ClinVar (database versions not stated): 1000 Genomes Project 0.00300; 1000 Genomes Project 30x 0.00328; ExAC 0.00755; gnomAD exomes 0.00802; gnomAD 0.00818 and 0.00830; TOPMed 0.00856; ESP Exome Variant Server 0.00984.
gnomAD v4.1: 20,253 of 1,614,006 alleles (1.3%); highest among the groups gnomAD compares: Non-Finnish European, 1.5%; 160 homozygotes.

Submissions (7):

Labcorp Genetics (formerly Invitae), Labcorp
Classification: Benign. Last evaluated: 2026-02-01. Review status: criteria provided, single submitter. Criteria: Invitae Variant Classification Sherloc (09022015). Collection method: clinical testing. Allele origin: germline.

CeGaT Center for Human Genetics Tuebingen
Classification: Benign. Last evaluated: 2025-01-01. Review status: criteria provided, single submitter. Criteria: CeGaT Center For Human Genetics Tuebingen Variant Classification Criteria Version 2. Collection method: clinical testing. Allele origin: germline. Affected: yes. Observed: 2 variant alleles.
Comment: FLVCR2: BP4, BS1, BS2

GeneDx
Classification: Likely benign. Last evaluated: 2021-02-23. Review status: criteria provided, single submitter. Criteria: GeneDx Variant Classification Process June 2021. Collection method: clinical testing. Allele origin: germline. Affected: yes.

Illumina Laboratory Services, Illumina
Classification: Benign for Posterior column ataxia-retinitis pigmentosa syndrome. Last evaluated: 2018-01-12. Review status: criteria provided, single submitter. Criteria: ICSL Variant Classification Criteria 13 December 2019. Collection method: clinical testing. Allele origin: germline.
Comment: This variant was observed in the ICSL laboratory as part of a predisposition screen in an ostensibly healthy population. It had not been previously curated by ICSL or reported in the Human Gene Mutation Database (HGMD: prior to June 1st, 2018), and was therefore a candidate for classification through an automated scoring system. Utilizing variant allele frequency, disease prevalence and penetrance estimates, and inheritance mode, an automated score was calculated to assess if this variant is too frequent to cause the disease. Based on the score and internal cut-off values, a variant classified as benign is not then subjected to further curation. The score for this variant resulted in a classification of benign for this disease.

Breakthrough Genomics
Classification: Likely benign. Review status: criteria provided, single submitter. Criteria: ACMG Guidelines, 2015. Collection method: not provided. Allele origin: germline. Inheritance: Autosomal recessive inheritance. Affected: yes.

Genetic Services Laboratory, University of Chicago
Classification: Benign. Last evaluated: 2022-09-21. Review status: no assertion criteria provided. Collection method: clinical testing. Allele origin: germline. Affected: no. Not counted in ClinVar's aggregate classification.

PreventionGenetics, part of Exact Sciences
Classification: Likely benign for FLVCR2-related condition. Last evaluated: 2019-03-04. Review status: no assertion criteria provided. Collection method: clinical testing. Allele origin: germline. Not counted in ClinVar's aggregate classification.
Comment: This variant is classified as likely benign based on ACMG/AMP sequence variant interpretation guidelines (Richards et al. 2015 PMID: 25741868, with internal and published modifications).

NM_017791.3(FLVCR2):c.835C>T (p.Pro279Ser)

Gene: FLVCR2 (FLVCR choline and putative heme transporter 2; plus strand). Cytogenetic location: 14q24.3.
Variant type: single nucleotide variant.
Coding change: c.835C>T on transcript NM_017791.3 (MANE Select); coding-DNA position 835, C replaced by T.
Protein change: p.Pro279Ser; replaces proline 279 with serine.
Molecular consequence: missense variant.
Genome position (GRCh38, 1-based): chr14:75,624,635, C>T. VCF-style: chr14-75624635-C-T. GRCh37 (hg19) VCF-style: chr14-76090978-C-T.
Other names: c.220C>T, p.Pro74Ser (NM_001195283.2); short protein forms P279S, P74S.
Identifiers: ClinVar variation 774491 (VCV000774491.41), dbSNP rs45479302, ClinGen allele CA7278334.